The following is an entry in ClinVar:

ClinVar aggregate classification (germline): Likely pathogenic. Review status: reviewed by expert panel (3 of 4 stars). 2 submissions from 2 submitters: Likely pathogenic (1). 1 of the submissions does not count toward it. Last evaluated 2026-04-09.

Conditions:
Glycogen storage disease, type II (IOPD). Also called: Glycogen storage disease type 2; Acid maltase deficiency disease; Aglucosidase alfa; Deficiency of alpha-glucosidase; Deficiency of lysosomal alpha-glucosidase; CARDIOMEGALIA GLYCOGENICA DIFFUSA. Identifiers: Orphanet 365, MedGen C0017921, MONDO:0009290, OMIM 232300.

gnomAD v4.1: 2 of 1,610,456 alleles (0.00012%); highest among the groups gnomAD compares: Non-Finnish European, 0.00017%; no homozygotes.

Submissions (2):

ClinGen Lysosomal Storage Disorder Variant Curation Expert Panel
Classification: Likely pathogenic for Glycogen storage disease, type II. Last evaluated: 2026-04-09. Review status: reviewed by expert panel. Criteria: clingen_lsd_acmg_specifications_v2-1. Collection method: curation. Allele origin: germline. Inheritance: Autosomal recessive inheritance.
Comment: The NM_000152.5:c.1941C>A (p.Cys647Ter) variant in GAA is a nonsense variant predicted to cause a premature stop codon in biologically-relevant-exon 14 out of a total of 20 exons, leading to nonsense mediated decay in a gene in which loss-of-function is an established disease mechanism (PVS1). The highest population minor allele frequency in gnomAD v4.1.0. is 0.000001697 (2/1178844 alleles) in the European non-Finnish population, which is lower than the ClinGen Lysosomal Diseases VCEP’s threshold for PM2_Supporting (<0.001), meeting this criterion (PM2_Supporting). To our knowledge, this variant has not been reported in the literature in any individual with Pompe disease. However, there is a ClinVar entry for this variant (Variation ID: 663894). The classification of this variant has been upgraded from Variant of Uncertain Significance to Likely Pathogenic based on the recommendations of the ClinGen Sequence Variant Interpretation Working Group, that a variant meeting PVS1 and PM2_Supporting is classified as Likely Pathogenic. In summary, this variant meets the criteria to be classified as Likely Pathogenic for Pompe disease. GAA-specific ACMG/AMP criteria met, based on the specifications of the ClinGen Lysosomal Diseases VCEP (Specifications Version 2.0): PVS1, PM2_Supporting. (Classification approved by the ClinGen Lysosomal Diseases VCEP, April 9, 2026.

Labcorp Genetics (formerly Invitae), Labcorp
Classification: Pathogenic for Glycogen storage disease, type II. Last evaluated: 2018-10-22. Review status: criteria provided, single submitter. Criteria: Invitae Variant Classification Sherloc (09022015). Collection method: clinical testing. Allele origin: germline. Not counted in ClinVar's aggregate classification.
Comment: This sequence change creates a premature translational stop signal (p.Cys647*) in the GAA gene. It is expected to result in an absent or disrupted protein product. This variant is not present in population databases (ExAC no frequency). This variant has not been reported in the literature in individuals with GAA-related disease. Loss-of-function variants in GAA are known to be pathogenic (PMID: 18425781, 22252923). For these reasons, this variant has been classified as Pathogenic.

NM_000152.5(GAA):c.1941C>A (p.Cys647Ter)

Gene: GAA (alpha glucosidase; plus strand). Cytogenetic location: 17q25.3.
Variant type: single nucleotide variant.
Coding change: c.1941C>A on transcript NM_000152.5 (MANE Select); coding-DNA position 1941, C replaced by A.
Protein change: p.Cys647Ter; replaces cysteine 647 with a stop codon.
Molecular consequence: nonsense.
Genome position (GRCh38, 1-based): chr17:80,112,928, C>A. VCF-style: chr17-80112928-C-A. GRCh37 (hg19) VCF-style: chr17-78086727-C-A.
Other names: c.1941C>A (LRG_673t1); c.1941C>A, p.Cys647Ter (NM_001079803.3, NM_001079804.3); short protein forms C647*.
Identifiers: ClinVar variation 663894 (VCV000663894.7), dbSNP rs776948121, ClinGen allele CA401369921.